The following is an entry in ClinVar:

ClinVar aggregate classification (germline): Conflicting classifications of pathogenicity. Review status: criteria provided, conflicting classifications (1 of 4 stars). 6 submissions from 6 submitters: Uncertain significance (2); Likely benign (3). 1 of the submissions does not count toward it. Last evaluated 2026-07-20.

Conditions:
ABCC6-related disorder. Also called: ABCC6-related condition.
Autosomal recessive inherited pseudoxanthoma elasticum (PXE). Identifiers: Orphanet 758, MedGen CN032334, MONDO:0009925, OMIM 264800.
Pseudoxanthoma elasticum, forme fruste. Also called: Pseudoxanthoma Elasticum, Incomplete; PSEUDOXANTHOMA ELASTICUM, HETEROZYGOUS. Identifiers: Orphanet 758, MedGen C1867450, MONDO:0008333, OMIM 177850.
Arterial calcification, generalized, of infancy, 2. Identifiers: Orphanet 51608, MedGen C3276161, MONDO:0013768, OMIM 614473.

Allele frequency attached by ClinVar (database versions not stated): ESP Exome Variant Server 0.00008; gnomAD exomes 0.00019 and 0.00048; gnomAD 0.00027 and 0.00032; TOPMed 0.00036; ExAC 0.00040; 1000 Genomes Project 30x 0.00047; 1000 Genomes Project 0.00060.
gnomAD v4.1: 333 of 1,613,976 alleles (0.021%); highest among the groups gnomAD compares: East Asian, 0.3%; no homozygotes.

Submissions (6):

PreventionGenetics, part of Exact Sciences
Classification: Uncertain significance for ABCC6-related condition. Last evaluated: 2026-07-20. Review status: criteria provided, single submitter. Criteria: ACMG Guidelines, 2015. Collection method: clinical testing. Allele origin: germline.
Comment: The ABCC6 c.1990C>T variant is predicted to result in the amino acid substitution p.Pro664Ser. This variant was reported in a large cohort of individuals with premature coronary artery disease (supplementary data, Teng et al. 2024. PubMed ID: 38297435). However, this variant is reported in 0.42% of alleles in individuals of East Asian descent in gnomAD, which may be too frequent to be a primary cause of disease. Although we suspect that this variant may be benign, at this time, the clinical significance of this variant is uncertain due to the absence of conclusive functional and genetic evidence.

CeGaT Center for Human Genetics Tuebingen
Classification: Uncertain significance. Last evaluated: 2026-05-01. Review status: criteria provided, single submitter. Criteria: CeGaT Center For Human Genetics Tuebingen Variant Classification Criteria Version 2. Collection method: clinical testing. Allele origin: germline. Affected: yes. Observed: 4 variant alleles.
Comment: ABCC6: PM2, BP4

Labcorp Genetics (formerly Invitae), Labcorp
Classification: Likely benign. Last evaluated: 2025-12-19. Review status: criteria provided, single submitter. Criteria: Invitae Variant Classification Sherloc (09022015). Collection method: clinical testing. Allele origin: germline.

Blueprint Genetics
Classification: Likely benign. Last evaluated: 2024-10-03. Review status: criteria provided, single submitter. Criteria: ACMG Guidelines, 2015. Collection method: clinical testing. Allele origin: germline.

Fulgent Genetics
Classification: Likely benign for Pseudoxanthoma elasticum, forme fruste; Autosomal recessive inherited pseudoxanthoma elasticum; Arterial calcification, generalized, of infancy, 2. Last evaluated: 2021-08-30. Review status: criteria provided, single submitter. Criteria: ACMG Guidelines, 2015. Collection method: clinical testing. Allele origin: unknown.

PXE International
Classification: Uncertain significance for Autosomal recessive inherited pseudoxanthoma elasticum. Last evaluated: 2021-03-01. Review status: no assertion criteria provided. Collection method: research. Allele origin: germline. Inheritance: Autosomal recessive inheritance. Affected: yes. Not counted in ClinVar's aggregate classification.

Literature cited by the submitters: PubMed 32873932 (cited by PXE International); PubMed 16127278 (cited by PXE International).

NM_001171.6(ABCC6):c.1990C>T (p.Pro664Ser)

Gene: ABCC6 (ATP binding cassette subfamily C member 6; minus strand). Cytogenetic location: 16p13.11.
Variant type: single nucleotide variant.
Coding change: c.1990C>T on transcript NM_001171.6 (MANE Select); coding-DNA position 1990, C replaced by T.
Protein change: p.Pro664Ser; replaces proline 664 with serine.
Molecular consequence: missense variant. On other transcripts: non-coding transcript variant (1).
Genome position (GRCh38, 1-based): chr16:16,182,884, G>A on the plus strand (C>T on the coding strand, the complement: ABCC6 is on the minus strand). VCF-style: chr16-16182884-G-A. GRCh37 (hg19) VCF-style: chr16-16276741-G-A.
Other names: c.1648C>T, p.Pro550Ser (NM_001351800.1); short protein forms P664S, P550S.
Identifiers: ClinVar variation 433252 (VCV000433252.56), dbSNP rs59002125, ClinGen allele CA7926062.
Genomic context (GRCh38, chr16:16,182,884, plus strand): 5'-CCACCTTTGACAGCTCCCCAAGGAGGGCGGACAGCAGGGAGGACTTCCCTGCCCCCACTG[G>A]ACCGACAACAGCCAGCAGACAGCCCTGGGGCACCGTGAGGTTTATTCTGGACACGCAAGA-3'
Protein context (NP_001162.5, residues 654-674): PQGCLLAVVG[Pro664Ser]VGAGKSSLLS